The following is an entry in ClinVar:

ClinVar aggregate classification (germline): Pathogenic (1 of 4 stars; one submission).

Conditions:
Hereditary cancer-predisposing syndrome. Also called: Neoplastic Syndromes, Hereditary; Hereditary Cancer Syndrome; Hereditary neoplastic syndrome; Tumor predisposition. Identifiers: Orphanet 140162, MedGen C0027672, MeSH D009386, MONDO:0015356.

Submission:

Ambry Genetics
Classification: Pathogenic for Hereditary cancer-predisposing syndrome. Last evaluated: 2023-03-20. Review status: criteria provided, single submitter. Criteria: Ambry Variant Classification Scheme 2023. Collection method: clinical testing. Allele origin: germline.
Comment: The c.1233dupA pathogenic mutation, located in coding exon 12 of the FANCC gene, results from a duplication of A at nucleotide position 1233, causing a translational frameshift with a predicted alternate stop codon (p.L412Tfs*23). This variant is considered to be rare based on population cohorts in the Genome Aggregation Database (gnomAD). This alteration is expected to result in loss of function by premature protein truncation or nonsense-mediated mRNA decay. As such, this alteration is interpreted as a disease-causing mutation.

NM_000136.3(FANCC):c.1233dup (p.Leu412fs)

Genes: AOPEP (aminopeptidase O (putative); plus strand), FANCC (FA complementation group C; minus strand). Cytogenetic location: 9q22.32.
Variant type: Duplication.
Coding change: c.1233dup on transcript NM_000136.3 (MANE Select); coding-DNA position 1233, one base duplicated (A; older notation c.1233dupA).
Protein change: p.Leu412fs; shifts the reading frame from leucine 412.
Molecular consequence: frameshift variant.
Genome position (GRCh38, 1-based): chr9:95,111,559, T duplicated on the plus strand (A on the coding strand, the reverse complement: FANCC is on the minus strand). VCF-style (leftmost placement, unchanged base first): chr9-95111558-G-GT. GRCh37 (hg19) VCF-style: chr9-97873840-G-GT.
Other names: c.1233dup, p.Leu412fs (NM_001243743.2, NM_001243744.2); c.1233dupA (NM_000136.2); short protein forms L412fs.
Identifiers: ClinVar variation 2560853 (VCV002560853.2), dbSNP rs2540886440, ClinGen allele CA2580616232.